The following is an entry in ClinVar:

ClinVar aggregate classification (germline): Uncertain significance (1 of 4 stars; one submission).

Conditions:
Hereditary cancer-predisposing syndrome. Also called: Neoplastic Syndromes, Hereditary; Tumor predisposition; Hereditary neoplastic syndrome; Hereditary Cancer Syndrome. Identifiers: Orphanet 140162, MedGen C0027672, MeSH D009386, MONDO:0015356.

Submission:

Ambry Genetics
Classification: Uncertain significance for Hereditary cancer-predisposing syndrome. Last evaluated: 2024-05-29. Review status: criteria provided, single submitter. Criteria: Ambry Variant Classification Scheme 2023. Collection method: clinical testing. Allele origin: germline.
Comment: The p.R388K variant (also known as c.1163G>A), located in coding exon 10 of the SUFU gene, results from a G to A substitution at nucleotide position 1163. The arginine at codon 388 is replaced by lysine, an amino acid with highly similar properties. This amino acid position is conserved. In addition, this alteration is predicted to be deleterious by in silico analysis. Based on the available evidence, the clinical significance of this variant remains unclear.

NM_016169.4(SUFU):c.1163G>A (p.Arg388Lys)

Gene: SUFU (SUFU negative regulator of hedgehog signaling; plus strand). Cytogenetic location: 10q24.32.
Variant type: single nucleotide variant.
Coding change: c.1163G>A on transcript NM_016169.4 (MANE Select); coding-DNA position 1163, G replaced by A.
Protein change: p.Arg388Lys; replaces arginine 388 with lysine.
Molecular consequence: missense variant.
Genome position (GRCh38, 1-based): chr10:102,617,295, G>A. VCF-style: chr10-102617295-G-A. GRCh37 (hg19) VCF-style: chr10-104377052-G-A.
Other names: c.1163G>A, p.Arg388Lys (NM_001178133.2); short protein forms R388K.
Identifiers: ClinVar variation 3323529 (VCV003323529.1).